The following is an entry in ClinVar:

ClinVar aggregate classification (germline): Uncertain significance (1 of 4 stars; one submission).

Conditions:
Charcot-Marie-Tooth disease type 2R. Also called: CHARCOT-MARIE-TOOTH NEUROPATHY, TYPE 2R; CHARCOT-MARIE-TOOTH DISEASE, AXONAL, AUTOSOMAL RECESSIVE, TYPE 2R; Charcot-Marie-Tooth disease, axonal, type 2R. Identifiers: Orphanet 397968, MedGen C3809655, MONDO:0014208, OMIM 615490.

Submission:

Labcorp Genetics (formerly Invitae), Labcorp
Classification: Uncertain significance for Charcot-Marie-Tooth disease type 2R. Last evaluated: 2020-02-18. Review status: criteria provided, single submitter. Criteria: Invitae Variant Classification Sherloc (09022015). Collection method: clinical testing. Allele origin: germline.
Comment: This sequence change replaces proline with alanine at codon 150 of the TRIM2 protein (p.Pro150Ala). The proline residue is highly conserved and there is a small physicochemical difference between proline and alanine. This variant is not present in population databases (ExAC no frequency). This variant has not been reported in the literature in individuals with TRIM2-related conditions. Algorithms developed to predict the effect of missense changes on protein structure and function (SIFT, PolyPhen-2, Align-GVGD) all suggest that this variant is likely to be tolerated, but these predictions have not been confirmed by published functional studies and their clinical significance is uncertain. In summary, the available evidence is currently insufficient to determine the role of this variant in disease. Therefore, it has been classified as a Variant of Uncertain Significance.

NM_015271.5(TRIM2):c.529C>G (p.Pro177Ala)

Gene: TRIM2 (tripartite motif containing 2; plus strand). Cytogenetic location: 4q31.3.
Variant type: single nucleotide variant.
Coding change: c.529C>G on transcript NM_015271.5 (MANE Select); coding-DNA position 529, C replaced by G.
Protein change: p.Pro177Ala; replaces proline 177 with alanine.
Molecular consequence: missense variant. On other transcripts: intron variant (2).
Genome position (GRCh38, 1-based): chr4:153,293,057, C>G. VCF-style: chr4-153293057-C-G. GRCh37 (hg19) VCF-style: chr4-154214209-C-G.
Other names: c.448C>G, p.Pro150Ala (NM_001130067.2, NM_001351056.2, NM_001375512.1 and 5 more transcripts); c.502C>G, p.Pro168Ala (NM_001351054.2); c.499C>G, p.Pro167Ala (NM_001351055.2); c.73C>G, p.Pro25Ala (NM_001351057.2); c.622C>G, p.Pro208Ala (NM_001375488.1); c.619C>G, p.Pro207Ala (NM_001375489.1); c.529C>G, p.Pro177Ala (NM_001375490.1); c.526C>G, p.Pro176Ala (NM_001375491.1); and 3 more; short protein forms P150A, P177A, P25A, P167A, P168A, P176A, P208A, P64A.
Identifiers: ClinVar variation 1035966 (VCV001035966.8), dbSNP rs974200179, ClinGen allele CA358471321.